The following is an entry in ClinVar:

NM_007272.3(CTRC):c.4T>A (p.Leu2Met)

Gene: CTRC (chymotrypsin C; plus strand). Cytogenetic location: 1p36.21.
Variant type: single nucleotide variant.
Coding change: c.4T>A on transcript NM_007272.3 (MANE Select); coding-DNA position 4, T replaced by A.
Protein change: p.Leu2Met; replaces leucine 2 with methionine.
Molecular consequence: missense variant.
Genome position (GRCh38, 1-based): chr1:15,438,468, T>A. VCF-style: chr1-15438468-T-A. GRCh37 (hg19) VCF-style: chr1-15764964-T-A.
Other names: short protein forms L2M.
Identifiers: ClinVar variation 4869527 (VCV004869527.1).

ClinVar aggregate classification (germline): Uncertain significance (1 of 4 stars; one submission).

Conditions:
Hereditary pancreatitis (PCTT). Also called: Hereditary chronic pancreatitis; PRSS1-Related Hereditary Pancreatitis. Identifiers: Orphanet 676, MedGen C0238339, MONDO:0008185, OMIM 167800.

Submission:

Ambry Genetics
Classification: Uncertain significance for Hereditary pancreatitis. Last evaluated: 2026-04-02. Review status: criteria provided, single submitter. Criteria: Ambry Variant Classification Scheme 2023. Collection method: clinical testing. Allele origin: germline.
Comment: The p.L2M variant (also known as c.4T>A), located in coding exon 1 of the CTRC gene, results from a T to A substitution at nucleotide position 4. The leucine at codon 2 is replaced by methionine, an amino acid with highly similar properties. This amino acid position is conserved. In addition, this alteration is predicted to be tolerated by in silico analysis. Based on the available evidence, the clinical significance of this variant remains unclear.